The following is an entry in ClinVar:

NM_000702.4(ATP1A2):c.*1781C>T

Gene: ATP1A2 (ATPase Na+/K+ transporting subunit alpha 2; plus strand). Cytogenetic location: 1q23.2.
Variant type: single nucleotide variant.
Coding change: c.*1781C>T on transcript NM_000702.4 (MANE Select); 1781 bases downstream of the stop codon, C replaced by T.
Molecular consequence: 3 prime UTR variant.
Genome position (GRCh38, 1-based): chr1:160,143,103, C>T. VCF-style: chr1-160143103-C-T. GRCh37 (hg19) VCF-style: chr1-160112893-C-T.
Identifiers: ClinVar variation 293183 (VCV000293183.5), dbSNP rs116744472, ClinGen allele CA10608119.

ClinVar aggregate classification (germline): Benign. Review status: criteria provided, single submitter (1 of 4 stars). 2 submissions from 1 submitter: Benign (2). Last evaluated 2018-01-12.

Conditions:
Migraine, familial hemiplegic, 2. Identifiers: Orphanet 569, MedGen C1865322, MONDO:0011232, OMIM 602481.
Alternating hemiplegia of childhood 1 (AHC1). Identifiers: Orphanet 2131, MedGen C3549447, MONDO:0007087, OMIM 104290.

Allele frequency attached by ClinVar (database versions not stated): gnomAD 0.00548 and 0.00585; TOPMed 0.00598; 1000 Genomes Project 0.00779; 1000 Genomes Project 30x 0.00796.

Submissions (2):

Illumina Laboratory Services, Illumina
Classification: Benign for Alternating hemiplegia of childhood 1. Last evaluated: 2018-01-12. Review status: criteria provided, single submitter. Criteria: ICSL Variant Classification Criteria 13 December 2019. Collection method: clinical testing. Allele origin: germline.
Comment: This variant was observed in the ICSL laboratory as part of a predisposition screen in an ostensibly healthy population. It had not been previously curated by ICSL or reported in the Human Gene Mutation Database (HGMD: prior to June 1st, 2018), and was therefore a candidate for classification through an automated scoring system. Utilizing variant allele frequency, disease prevalence and penetrance estimates, and inheritance mode, an automated score was calculated to assess if this variant is too frequent to cause the disease. Based on the score and internal cut-off values, a variant classified as benign is not then subjected to further curation. The score for this variant resulted in a classification of benign for this disease.

Illumina Laboratory Services, Illumina
Classification: Benign for Migraine, familial hemiplegic, 2. Last evaluated: 2018-01-12. Review status: criteria provided, single submitter. Criteria: ICSL Variant Classification Criteria 13 December 2019. Collection method: clinical testing. Allele origin: germline.
Comment: the same text as in the submission from Illumina Laboratory Services, Illumina above.